The following is an entry in ClinVar:

NM_198503.5(KCNT2):c.2324_2330dup (p.Met777fs)

Gene: KCNT2 (potassium sodium-activated channel subfamily T member 2; minus strand). Cytogenetic location: 1q31.3.
Variant type: Duplication.
Coding change: c.2324_2330dup on transcript NM_198503.5 (MANE Select); coding-DNA positions 2324 to 2330, 7 bases duplicated (ACTACAT; older notation c.2324_2330dupACTACAT).
Protein change: p.Met777fs; shifts the reading frame from methionine 777.
Molecular consequence: frameshift variant. On other transcripts: non-coding transcript variant (1), intron variant (2).
Genome position (GRCh38, 1-based): chr1:196,319,502-196,319,508, ATGTAGT duplicated on the plus strand (ACTACAT on the coding strand, the reverse complement: KCNT2 is on the minus strand); duplicating any 7 consecutive bases within chr1:196,319,502-196,319,509 gives the same sequence; the c. name uses the placement nearest the transcript's 3' end. VCF-style (leftmost placement, unchanged base first): chr1-196319501-C-CATGTAGT. GRCh37 (hg19) VCF-style: chr1-196288631-C-CATGTAGT.
Other names: c.2127-3482_2127-3476dup (NM_001287820.3); c.2277-3482_2277-3476dup (NM_001287819.3); short protein forms M777fs.
Identifiers: ClinVar variation 4088073 (VCV004088073.1).

ClinVar aggregate classification (germline): Uncertain significance (1 of 4 stars; one submission).

Submission:

GeneDx
Classification: Uncertain significance. Last evaluated: 2025-03-27. Review status: criteria provided, single submitter. Criteria: GeneDx Variant Classification Process June 2021. Collection method: clinical testing. Allele origin: germline. Affected: yes.
Comment: Frameshift variant predicted to result in protein truncation or nonsense mediated decay in a gene or region of a gene for which loss of function is not a well-established mechanism of disease; Not observed at significant frequency in large population cohorts (gnomAD); Has not been previously published as pathogenic or benign to our knowledge